The following is an entry in ClinVar:

ClinVar aggregate classification (germline): Uncertain significance (1 of 4 stars; one submission).

gnomAD v4.1: 1 of 1,516,578 alleles (0.000066%); highest among the groups gnomAD compares: Non-Finnish European, 0.000088%; no homozygotes.

Submission:

GeneDx
Classification: Uncertain significance. Last evaluated: 2025-05-13. Review status: criteria provided, single submitter. Criteria: GeneDx Variant Classification Process June 2021. Collection method: clinical testing. Allele origin: germline. Affected: yes.
Comment: Not observed at significant frequency in large population cohorts (gnomAD); In silico analysis suggests that this missense variant does not alter protein structure/function; Has not been previously published as pathogenic or benign to our knowledge

NM_017617.5(NOTCH1):c.719C>A (p.Thr240Asn)

Gene: NOTCH1 (notch receptor 1; minus strand). Cytogenetic location: 9q34.3.
Variant type: single nucleotide variant.
Coding change: c.719C>A on transcript NM_017617.5 (MANE Select); coding-DNA position 719, C replaced by A.
Protein change: p.Thr240Asn; replaces threonine 240 with asparagine.
Molecular consequence: missense variant.
Genome position (GRCh38, 1-based): chr9:136,522,873, G>T on the plus strand (C>A on the coding strand, the complement: NOTCH1 is on the minus strand). VCF-style: chr9-136522873-G-T. GRCh37 (hg19) VCF-style: chr9-139417325-G-T.
Other names: short protein forms T240N.
Identifiers: ClinVar variation 4529519 (VCV004529519.1).